The following is an entry in ClinVar:

NM_001330700.2(TOP2B):c.4496C>G (p.Pro1499Arg)

Gene: TOP2B (DNA topoisomerase II beta; minus strand). Cytogenetic location: 3p24.2.
Variant type: single nucleotide variant.
Coding change: c.4496C>G on transcript NM_001330700.2 (MANE Select); coding-DNA position 4496, C replaced by G.
Protein change: p.Pro1499Arg; replaces proline 1499 with arginine.
Molecular consequence: missense variant.
Genome position (GRCh38, 1-based): chr3:25,601,219, G>C on the plus strand (C>G on the coding strand, the complement: TOP2B is on the minus strand). VCF-style: chr3-25601219-G-C. GRCh37 (hg19) VCF-style: chr3-25642710-G-C.
Other names: c.4481C>G, p.Pro1494Arg (NM_001068.3); short protein forms P1494R, P1499R.
Identifiers: ClinVar variation 2633228 (VCV002633228.1), dbSNP rs375477555, ClinGen allele CA351891277.

ClinVar aggregate classification (germline): Uncertain significance (1 of 4 stars; one submission).

Conditions:
TOP2B-related disorder. Also called: TOP2B-related condition.

Submission:

PreventionGenetics, part of Exact Sciences
Classification: Uncertain significance for TOP2B-related condition. Last evaluated: 2023-05-26. Review status: criteria provided, single submitter. Criteria: ACMG Guidelines, 2015. Collection method: clinical testing. Allele origin: germline.
Comment: The TOP2B c.4496C>G variant is predicted to result in the amino acid substitution p.Pro1499Arg. To our knowledge, this variant has not been reported in the literature or in a large population database, indicating this variant is rare. At this time, the clinical significance of this variant is uncertain due to the absence of conclusive functional and genetic evidence.